The following is an entry in ClinVar:

ClinVar aggregate classification (germline): Benign (1 of 4 stars; one submission).

Allele frequency attached by ClinVar (database versions not stated): 1000 Genomes Project 0.21146; 1000 Genomes Project 30x 0.22049; gnomAD exomes 0.22414; gnomAD 0.24114; TOPMed 0.25280.
gnomAD v4.1: 36,810 of 152,176 alleles (24%); highest among the groups gnomAD compares: African/African-American, 35%; 4,962 homozygotes.

Submission:

Unidad de Genómica Garrahan, Hospital de Pediatría Garrahan
Classification: Benign. Last evaluated: 2024-01-24. Review status: criteria provided, single submitter. Criteria: ACMG Guidelines, 2015. Collection method: clinical testing. Allele origin: germline. Affected: no. Observed: 30 variant alleles.
Comment: This variant is classified as Benign based on local population frequency. This variant was detected in 32% of patients studied by a panel of primary immunodeficiencies. Number of patients: 30. Only high quality variants are reported.

NM_203447.4(DOCK8):c.157-5432A>G

Gene: DOCK8 (dedicator of cytokinesis 8; plus strand). Cytogenetic location: 9p24.3.
Variant type: single nucleotide variant.
Coding change: c.157-5432A>G on transcript NM_203447.4 (MANE Select); 5432 bases into the intron before coding-DNA position 157, A replaced by G.
Molecular consequence: intron variant.
Genome position (GRCh38, 1-based): chr9:281,029, A>G. VCF-style: chr9-281029-A-G. GRCh37 (hg19) VCF-style: chr9-281029-A-G.
Other names: c.-48-5432A>G (NM_001190458.2, NM_001193536.2).
Identifiers: ClinVar variation 2688240 (VCV002688240.2), dbSNP rs13284845, ClinGen allele CA13080029.